The following is an entry in ClinVar:

ClinVar aggregate classification (germline): Pathogenic (1 of 4 stars; one submission).

Conditions:
Inherited breast cancer and ovarian cancer.

Submission:

Genomics and Molecular Medicine Service, East Genomic Laboratory Hub, NHS Genomic Medicine Service
Classification: Pathogenic for Inherited breast cancer and ovarian cancer. Last evaluated: 2024-10-10. Review status: criteria provided, single submitter. Criteria: ACGS Best Practice Guidelines for Variant Classification in Rare Disease 2020. Collection method: clinical testing. Allele origin: germline. Affected: yes.
Comment: PVS1,PM2,PM5_Strong

NM_000059.4(BRCA2):c.6737dup (p.Ser2247fs)

Gene: BRCA2 (BRCA2 DNA repair associated; plus strand). Cytogenetic location: 13q13.1.
Variant type: Duplication.
Coding change: c.6737dup on transcript NM_000059.4 (MANE Select); coding-DNA position 6737, one base duplicated (C; older notation c.6737dupC).
Protein change: p.Ser2247fs; shifts the reading frame from serine 2247.
Molecular consequence: frameshift variant. On other transcripts: non-coding transcript variant (1), intron variant (2).
Genome position (GRCh38, 1-based): chr13:32,341,092, C duplicated; the last of 2 consecutive C bases (chr13:32,341,091-32,341,092); duplicating either gives the same sequence. VCF-style (leftmost placement, unchanged base first): chr13-32341090-G-GC. GRCh37 (hg19) VCF-style: chr13-32915227-G-GC.
Other names: c.6737dup, p.Ser2247fs (NM_001406719.1, NM_001406720.1, NM_001432077.1); c.1910-3466dup (NM_001406721.1); c.425-3466dup (NM_001406722.1); short protein forms S2247fs.
Identifiers: ClinVar variation 3768011 (VCV003768011.1).
Genomic context (GRCh38, chr13:32,341,090, plus strand): 5'-AGAAGCAGTAGAAATTGCTAAAGCTTTTATGGAAGATGATGAACTGACAGATTCTAAACT[G>GC]CCAAGTCATGCCACACATTCTCTTTTTACATGTCCCGAAAATGAGGAAATGGTTTTGTCA-3'